The following is an entry in ClinVar:

ClinVar aggregate classification (germline): Benign (1 of 4 stars; one submission).

Allele frequency attached by ClinVar (database versions not stated): gnomAD 0.38817 and 0.39189; TOPMed 0.40089; 1000 Genomes Project 30x 0.41708; 1000 Genomes Project 0.41833.
gnomAD v4.1: 59,724 of 152,218 alleles (39%); highest among the groups gnomAD compares: Middle Eastern, 51%; 11,833 homozygotes.

Submission:

GeneDx
Classification: Benign. Last evaluated: 2018-06-18. Review status: criteria provided, single submitter. Criteria: GeneDx Variant Classification (06012015). Collection method: clinical testing. Allele origin: germline. Affected: yes.
Comment: This variant is considered likely benign or benign based on one or more of the following criteria: it is a conservative change, it occurs at a poorly conserved position in the protein, it is predicted to be benign by multiple in silico algorithms, and/or has population frequency not consistent with disease.

NM_014244.5(ADAMTS2):c.1951+271G>A

Gene: ADAMTS2 (ADAM metallopeptidase with thrombospondin type 1 motif 2; minus strand). Cytogenetic location: 5q35.3.
Variant type: single nucleotide variant.
Coding change: c.1951+271G>A on transcript NM_014244.5 (MANE Select); 271 bases into the intron after coding-DNA position 1951, G replaced by A.
Molecular consequence: intron variant.
Genome position (GRCh38, 1-based): chr5:179,137,498, C>T on the plus strand (G>A on the coding strand, the complement: ADAMTS2 is on the minus strand). VCF-style: chr5-179137498-C-T. GRCh37 (hg19) VCF-style: chr5-178564499-C-T.
Identifiers: ClinVar variation 683136 (VCV000683136.1), dbSNP rs35944670, ClinGen allele CA11956036.